The following is an entry in ClinVar:

NM_001005273.3(CHD3):c.1073A>G (p.Lys358Arg)

Genes: CHD3 (chromodomain helicase DNA binding protein 3; plus strand), LOC126862484 (CDK7 strongly-dependent group 2 enhancer GRCh37_chr17:7797066-7798265; plus strand). Cytogenetic location: 17p13.1.
Variant type: single nucleotide variant.
Coding change: c.1073A>G on transcript NM_001005273.3 (MANE Select); coding-DNA position 1073, A replaced by G.
Protein change: p.Lys358Arg; replaces lysine 358 with arginine.
Molecular consequence: missense variant.
Genome position (GRCh38, 1-based): chr17:7,894,263, A>G. VCF-style: chr17-7894263-A-G. GRCh37 (hg19) VCF-style: chr17-7797581-A-G.
Other names: c.1250A>G, p.Lys417Arg (NM_001005271.3); c.1073A>G, p.Lys358Arg (NM_005852.4); short protein forms K417R, K358R.
Identifiers: ClinVar variation 3832787 (VCV003832787.2).

ClinVar aggregate classification (germline): Uncertain significance. Review status: criteria provided, multiple submitters, no conflicts (2 of 4 stars). 2 submissions from 2 submitters: Uncertain significance (2). Last evaluated 2026-03-01.

Conditions:
Inborn genetic diseases. Identifiers: MedGen C0950123, MeSH D030342.

Submissions (2):

GeneDx
Classification: Uncertain significance. Last evaluated: 2026-03-01. Review status: criteria provided, single submitter. Criteria: GeneDx Variant Classification Process June 2021. Collection method: clinical testing. Allele origin: germline.
Comment: Not observed at significant frequency in large population cohorts (gnomAD); In silico analysis suggests that this missense variant does not alter protein structure/function; Has not been previously published as pathogenic or benign to our knowledge

Ambry Genetics
Classification: Uncertain significance for Inborn genetic diseases. Last evaluated: 2025-01-26. Review status: criteria provided, single submitter. Criteria: Ambry Variant Classification Scheme 2023. Collection method: clinical testing. Allele origin: germline.